The following is an entry in ClinVar:

NM_001382.4(DPAGT1):c.902G>A (p.Arg301His)

Gene: DPAGT1 (dolichyl-phosphate N-acetylglucosaminephosphotransferase 1; minus strand). Cytogenetic location: 11q23.3.
Variant type: single nucleotide variant.
Coding change: c.902G>A on transcript NM_001382.4 (MANE Select); coding-DNA position 902, G replaced by A.
Protein change: p.Arg301His; replaces arginine 301 with histidine.
Molecular consequence: missense variant.
Genome position (GRCh38, 1-based): chr11:119,097,870, C>T on the plus strand (G>A on the coding strand, the complement: DPAGT1 is on the minus strand). VCF-style: chr11-119097870-C-T. GRCh37 (hg19) VCF-style: chr11-118968580-C-T.
Other names: p.Arg301His; c.902G>A (NM_001382.3); short protein forms R301H.
Identifiers: ClinVar variation 1180632 (VCV001180632.12), dbSNP rs768416381, ClinGen allele CA6314514.

ClinVar aggregate classification (germline): Pathogenic/Likely pathogenic. Review status: criteria provided, multiple submitters, no conflicts (2 of 4 stars). 6 submissions from 6 submitters: Pathogenic (2); Likely pathogenic (4). Last evaluated 2026-06-22.

Conditions:
DPAGT1-congenital disorder of glycosylation. Also called: CONGENITAL DISORDER OF GLYCOSYLATION, TYPE Ij; CDG Ij; DPAGT1-CDG. Identifiers: Orphanet 86309, MedGen C2931004, MONDO:0011964, OMIM 608093.
Congenital myasthenic syndrome 13 (CMS13). Also called: Myasthenic syndrome, congenital, with tubular aggregates 2; Myasthenic syndrome, congenital, 13, with tubular aggregates. Identifiers: Orphanet 353327, Orphanet 590, MedGen C3553645, MONDO:0013883, OMIM 614750.
Abnormality of metabolism/homeostasis. Identifiers: MedGen C4021768, HP:0001939.
Fetal anomalies with a likely genetic cause.

Allele frequency attached by ClinVar (database versions not stated): gnomAD 0.00001; gnomAD exomes 0.00001 and 0.00004; ExAC 0.00002.
gnomAD v4.1: 53 of 1,613,824 alleles (0.0033%); highest among the groups gnomAD compares: Non-Finnish European, 0.0042%; no homozygotes.

Submissions (6):

Genetics Laboratory, Great Ormond Street Hospital NHS Foundation Trust, North Thames Genomic Laboratory Hub
Classification: Likely pathogenic for Fetal anomalies with a likely genetic cause. Last evaluated: 2026-06-22. Review status: criteria provided, single submitter. Criteria: ACGS Best Practice Guidelines for Variant Classification in Rare Disease 2024 v1.2. Collection method: clinical testing. Allele origin: germline. Affected: yes.
Comment: PS4_strong, PM2_moderate, PP3_supporting

Medical Molecular Genetics, National Research Centre
Classification: Likely pathogenic for DPAGT1-congenital disorder of glycosylation. Last evaluated: 2025-11-01. Review status: criteria provided, single submitter. Criteria: ACMG Guidelines, 2015. Collection method: research. Allele origin: inherited. Affected: yes.

Genomic Medicine Center of Excellence, King Faisal Specialist Hospital and Research Centre
Classification: Pathogenic for DPAGT1-congenital disorder of glycosylation. Last evaluated: 2024-03-17. Review status: criteria provided, single submitter. Criteria: ACMG Guidelines, 2015. Collection method: research. Allele origin: germline.

Labcorp Genetics (formerly Invitae), Labcorp
Classification: Pathogenic for Congenital myasthenic syndrome 13; DPAGT1-congenital disorder of glycosylation. Last evaluated: 2022-04-10. Review status: criteria provided, single submitter. Criteria: Invitae Variant Classification Sherloc (09022015). Collection method: clinical testing. Allele origin: germline.
Comment: This sequence change replaces arginine, which is basic and polar, with histidine, which is basic and polar, at codon 301 of the DPAGT1 protein (p.Arg301His). This variant is present in population databases (rs768416381, gnomAD 0.003%). This missense change has been observed in individual(s) with congenital disorder of glycosylation type 1J (PMID: 23430862, 28662078, 28712839). It has also been observed to segregate with disease in related individuals. ClinVar contains an entry for this variant (Variation ID: 1180632). Algorithms developed to predict the effect of missense changes on protein structure and function (SIFT, PolyPhen-2, Align-GVGD) all suggest that this variant is likely to be disruptive. Experimental studies have shown that this missense change affects DPAGT1 function (PMID: 30388443). This variant disrupts the p.Arg301 amino acid residue in DPAGT1. Other variant(s) that disrupt this residue have been observed in individuals with DPAGT1-related conditions (PMID: 28662078), which suggests that this may be a clinically significant amino acid residue. For these reasons, this variant has been classified as Pathogenic.

Kariminejad - Najmabadi Pathology & Genetics Center
Classification: Likely pathogenic for Abnormality of metabolism/homeostasis. Last evaluated: 2021-07-10. Review status: criteria provided, single submitter. Criteria: ACMG Guidelines, 2015. Collection method: clinical testing. Allele origin: germline. Affected: yes.

Breakthrough Genomics
Classification: Likely pathogenic for DPAGT1-congenital disorder of glycosylation. Last evaluated: 2020-11-26. Review status: criteria provided, single submitter. Criteria: ACMG Guidelines, 2015. Collection method: clinical testing. Allele origin: germline. Affected: yes.
Comment: This variant was previously reported in patients with congenital disorder of glycosylation in homozygous condition and reported to segregate with disease in a family [PMID: 28662078, 30117111, 23430862]. The variant has been reported to have less than 25% enzyme activity compared to the wild type protein [PMID: 30388443].

Literature cited by the submitters: PubMed 23430862 (cited by Labcorp Genetics (formerly Invitae), Labcorp); PubMed 28662078 (cited by Labcorp Genetics (formerly Invitae), Labcorp); PubMed 28712839 (cited by Labcorp Genetics (formerly Invitae), Labcorp); PubMed 30388443 (cited by Labcorp Genetics (formerly Invitae), Labcorp).